The following is an entry in ClinVar:

ClinVar aggregate classification (germline): Uncertain significance. Review status: criteria provided, single submitter (1 of 4 stars). 2 submissions from 2 submitters: Uncertain significance (1). 1 of the submissions does not count toward it. Last evaluated 2025-06-03.

Conditions:
Curry-Hall syndrome (WAD). Also called: WEYERS ACRODENTAL DYSOSTOSIS. Identifiers: Orphanet 952, MedGen C0457013, MONDO:0008673, OMIM 193530.
Ellis-van Creveld syndrome (EVC). Also called: MESOECTODERMAL DYSPLASIA; EVC-Related Ellis-van Creveld Syndrome; EVC2-Related Ellis-van Creveld Syndrome; Chondroectodermal dysplasia. Identifiers: Orphanet 289, MedGen C0013903, MONDO:0009162, OMIM 225500.
EVC2-related disorder. Also called: EVC2-related condition.

Allele frequency attached by ClinVar (database versions not stated): gnomAD 0.00001; ExAC 0.00009; 1000 Genomes Project 30x 0.00016; 1000 Genomes Project 0.00020.
gnomAD v4.1: 24 of 1,554,834 alleles (0.0015%); highest among the groups gnomAD compares: South Asian, 0.012%; no homozygotes.

Submissions (2):

Labcorp Genetics (formerly Invitae), Labcorp
Classification: Uncertain significance for Curry-Hall syndrome; Ellis-van Creveld syndrome. Last evaluated: 2025-06-03. Review status: criteria provided, single submitter. Criteria: Invitae Variant Classification Sherloc (09022015). Collection method: clinical testing. Allele origin: germline.
Comment: This sequence change replaces arginine, which is basic and polar, with tryptophan, which is neutral and slightly polar, at codon 1185 of the EVC2 protein (p.Arg1185Trp). The frequency data for this variant in the population databases is considered unreliable, as metrics indicate poor data quality at this position in the gnomAD database. This variant has not been reported in the literature in individuals affected with EVC2-related conditions. ClinVar contains an entry for this variant (Variation ID: 2200768). An algorithm developed to predict the effect of missense changes on protein structure and function (PolyPhen-2) suggests that this variant is likely to be tolerated. In summary, the available evidence is currently insufficient to determine the role of this variant in disease. Therefore, it has been classified as a Variant of Uncertain Significance.

PreventionGenetics, part of Exact Sciences
Classification: Uncertain significance for EVC2-related condition. Last evaluated: 2024-05-17. Review status: no assertion criteria provided. Collection method: clinical testing. Allele origin: germline. Not counted in ClinVar's aggregate classification.
Comment: The EVC2 c.3553C>T variant is predicted to result in the amino acid substitution p.Arg1185Trp. To our knowledge, this variant has not been reported in the literature. This variant is reported in 0.015% of alleles in individuals of East Asian descent in gnomAD. At this time, the clinical significance of this variant is uncertain due to the absence of conclusive functional and genetic evidence.

NM_147127.5(EVC2):c.3553C>T (p.Arg1185Trp)

Gene: EVC2 (EvC ciliary complex subunit 2; minus strand). Cytogenetic location: 4p16.2.
Variant type: single nucleotide variant.
Coding change: c.3553C>T on transcript NM_147127.5 (MANE Select); coding-DNA position 3553, C replaced by T.
Protein change: p.Arg1185Trp; replaces arginine 1185 with tryptophan.
Molecular consequence: missense variant.
Genome position (GRCh38, 1-based): chr4:5,568,448, G>A on the plus strand (C>T on the coding strand, the complement: EVC2 is on the minus strand). VCF-style: chr4-5568448-G-A. GRCh37 (hg19) VCF-style: chr4-5570175-G-A.
Other names: c.3553C>T (NM_147127.4); c.3313C>T, p.Arg1105Trp (NM_001166136.2); short protein forms R1185W, R1105W.
Identifiers: ClinVar variation 2200768 (VCV002200768.4), dbSNP rs545528367, ClinGen allele CA2834281.